The following is an entry in ClinVar:

NM_001164508.2(NEB):c.25057+1G>C

Genes: NEB (nebulin; minus strand), RIF1 (replication timing regulatory factor 1; plus strand). Cytogenetic location: 2q23.3.
Variant type: single nucleotide variant.
Coding change: c.25057+1G>C on transcript NM_001164508.2 (MANE Select); the canonical splice donor site of the intron after coding-DNA position 25057, G replaced by C.
Molecular consequence: splice donor variant.
Genome position (GRCh38, 1-based): chr2:151,492,097, C>G on the plus strand (G>C on the coding strand, the complement: NEB is on the minus strand). VCF-style: chr2-151492097-C-G. GRCh37 (hg19) VCF-style: chr2-152348611-C-G.
Other names: c.19489+1G>C (NM_004543.5); c.25057+1G>C (NM_001164507.2); c.25162+1G>C (NM_001271208.2).
Identifiers: ClinVar variation 550116 (VCV000550116.9), dbSNP rs1191429915, ClinGen allele CA348773124.

ClinVar aggregate classification (germline): Likely pathogenic. Review status: criteria provided, multiple submitters, no conflicts (2 of 4 stars). 4 submissions from 4 submitters: Likely pathogenic (3). 1 of the submissions does not count toward it. Last evaluated 2026-03-18.

Conditions:
Nemaline myopathy 2 (NEM2). Also called: Nemaline myopathy 2, autosomal recessive. Identifiers: MedGen C1850569, MONDO:0009725, OMIM 256030.

Submissions (4):

Myriad Genetics, Inc.
Classification: Likely pathogenic for Nemaline myopathy 2. Last evaluated: 2026-03-18. Review status: criteria provided, single submitter. Criteria: Myriad Autosomal Dominant, Autosomal Recessive and X-Linked Classification Criteria (2023). Collection method: clinical testing. Allele origin: unknown.
Comment: NM_001271208.1(NEB):c.25162+1G>C is a variant in a canonical splice site classified as likely pathogenic in the context of NEB-related nemaline myopathy. c.25162+1G>C has not been observed in cases with relevant disease. Relevant functional assessments of this variant are not available in the literature. c.25162+1G>C has not been observed in referenced population frequency databases. In summary, NM_001271208.1(NEB):c.25162+1G>C is a variant in a canonical splice site in a gene where loss of function is a known mechanism of disease and is predicted to disrupt protein function. Please note: this variant was assessed in the context of healthy population screening.

Natera, Inc.
Classification: Likely pathogenic for Nemaline myopathy type 2. Last evaluated: 2025-03-03. Review status: criteria provided, single submitter. Criteria: Natera Variant Classification Schema (03/2026). Collection method: clinical testing. Allele origin: germline.
Comment: The c.25162+1G>C variant in NEB is a canonical splice donor site variant predicted to affect pre-mRNA splicing, which may result in an abnormal transcript and altered protein product. This variant is expected to result in nonsense mediated decay, truncation, or a dysfunctional protein product. This variant is rare in the general population with a frequency below the threshold expected for the associated phenotype(s). Given the available evidence, this variant is classified as Likely Pathogenic.

Labcorp Genetics (formerly Invitae), Labcorp
Classification: Likely pathogenic for Nemaline myopathy 2. Last evaluated: 2023-07-14. Review status: criteria provided, single submitter. Criteria: Invitae Variant Classification Sherloc (09022015). Collection method: clinical testing. Allele origin: germline.
Comment: This sequence change affects a donor splice site in intron 179 of the NEB gene. It is expected to disrupt RNA splicing. Variants that disrupt the donor or acceptor splice site typically lead to a loss of protein function (PMID: 16199547), and loss-of-function variants in NEB are known to be pathogenic (PMID: 25205138). This variant is not present in population databases (gnomAD no frequency). This variant has not been reported in the literature in individuals affected with NEB-related conditions. ClinVar contains an entry for this variant (Variation ID: 550116). Algorithms developed to predict the effect of sequence changes on RNA splicing suggest that this variant may disrupt the consensus splice site. In summary, the currently available evidence indicates that the variant is pathogenic, but additional data are needed to prove that conclusively. Therefore, this variant has been classified as Likely Pathogenic.

Counsyl
Classification: Likely pathogenic for Nemaline myopathy 2. Last evaluated: 2016-12-29. Review status: no assertion criteria provided. Collection method: clinical testing. Allele origin: unknown. Not counted in ClinVar's aggregate classification.

Literature cited by the submitters: PubMed 16199547 (cited by Labcorp Genetics (formerly Invitae), Labcorp); PubMed 25205138 (cited by Labcorp Genetics (formerly Invitae), Labcorp).